The following is an entry in ClinVar:

ClinVar aggregate classification (germline): Likely benign (1 of 4 stars; one submission).

Submission:

CeGaT Center for Human Genetics Tuebingen
Classification: Likely benign. Last evaluated: 2022-07-01. Review status: criteria provided, single submitter. Criteria: CeGaT Center For Human Genetics Tuebingen Variant Classification Criteria Version 2. Collection method: clinical testing. Allele origin: germline. Affected: yes. Observed: 1 variant allele.
Comment: HYDIN: PM2:Supporting, BP4, BP7

NM_001270974.2(HYDIN):c.5082G>C (p.Val1694=)

Gene: HYDIN (HYDIN axonemal central pair apparatus protein; minus strand). Cytogenetic location: 16q22.2.
Variant type: single nucleotide variant.
Coding change: c.5082G>C on transcript NM_001270974.2 (MANE Select); coding-DNA position 5082, G replaced by C.
Protein change: p.Val1694=; no amino-acid change (valine 1694 retained).
Molecular consequence: synonymous variant.
Genome position (GRCh38, 1-based): chr16:70,973,976, C>G on the plus strand (G>C on the coding strand, the complement: HYDIN is on the minus strand). VCF-style: chr16-70973976-C-G. GRCh37 (hg19) VCF-style: chr16-71007879-C-G.
Identifiers: ClinVar variation 2646768 (VCV002646768.24), dbSNP rs2078811484, ClinGen allele CA496248456.